The following is an entry in ClinVar:

ClinVar aggregate classification (germline): Benign (1 of 4 stars; one submission).

Conditions:
Brain small vessel disease 2A, autosomal dominant. Also called: Porencephaly 2. Identifiers: Orphanet 2940, Orphanet 99810, MedGen C3280970, MONDO:0013773, OMIM 614483.

Submission:

Illumina Laboratory Services, Illumina
Classification: Benign for Brain small vessel disease 2A, autosomal dominant. Last evaluated: 2017-04-27. Review status: criteria provided, single submitter. Criteria: ICSL Variant Classification Criteria 13 December 2019. Collection method: clinical testing. Allele origin: germline.
Comment: This variant was observed as part of a predisposition screen in an ostensibly healthy population. A literature search was performed for the gene, cDNA change, and amino acid change (where applicable). No publications were found based on this search. Allele frequency data from public databases was too high to be consistent with this variant causing disease. Therefore, this variant is classified as benign.

NM_001846.4(COL4A2):c.-215C>A

Gene: COL4A2 (collagen type IV alpha 2 chain; plus strand). Cytogenetic location: 13q34.
Variant type: single nucleotide variant.
Coding change: c.-215C>A on transcript NM_001846.4 (MANE Select); 215 bases upstream of the start codon, C replaced by A.
Molecular consequence: 5 prime UTR variant.
Genome position (GRCh38, 1-based): chr13:110,307,358, C>A. VCF-style: chr13-110307358-C-A. GRCh37 (hg19) VCF-style: chr13-110959705-C-A.
Identifiers: ClinVar variation 881523 (VCV000881523.4), dbSNP rs7990017, ClinGen allele CA1139663083.